The following is an entry in ClinVar:

NM_002017.5(FLI1):c.1119G>A (p.Pro373=)

Gene: FLI1 (Fli-1 proto-oncogene, ETS transcription factor; plus strand). Cytogenetic location: 11q24.3.
Variant type: single nucleotide variant.
Coding change: c.1119G>A on transcript NM_002017.5 (MANE Select); coding-DNA position 1119, G replaced by A.
Protein change: p.Pro373=; no amino-acid change (proline 373 retained).
Molecular consequence: synonymous variant.
Genome position (GRCh38, 1-based): chr11:128,810,748, G>A. VCF-style: chr11-128810748-G-A. GRCh37 (hg19) VCF-style: chr11-128680643-G-A.
Other names: c.1020G>A, p.Pro340= (NM_001167681.3); c.921G>A, p.Pro307= (NM_001271010.2); c.540G>A, p.Pro180= (NM_001271012.2).
Identifiers: ClinVar variation 2907700 (VCV002907700.7), dbSNP rs768469579, ClinGen allele CA6357312.

ClinVar aggregate classification (germline): Likely benign. Review status: criteria provided, multiple submitters, no conflicts (2 of 4 stars). 2 submissions from 2 submitters: Likely benign (2). Last evaluated 2026-01-01.

Allele frequency attached by ClinVar (database versions not stated): ExAC 0.00006; TOPMed 0.00006.
gnomAD v4.1: 39 of 1,613,904 alleles (0.0024%); highest among the groups gnomAD compares: East Asian, 0.013%; no homozygotes.

Submissions (2):

CeGaT Center for Human Genetics Tuebingen
Classification: Likely benign. Last evaluated: 2026-01-01. Review status: criteria provided, single submitter. Criteria: CeGaT Center For Human Genetics Tuebingen Variant Classification Criteria Version 2. Collection method: clinical testing. Allele origin: germline. Affected: yes. Observed: 1 variant allele.
Comment: FLI1: BP4, BP7

Labcorp Genetics (formerly Invitae), Labcorp
Classification: Likely benign. Last evaluated: 2023-10-23. Review status: criteria provided, single submitter. Criteria: Invitae Variant Classification Sherloc (09022015). Collection method: clinical testing. Allele origin: germline.